The following is an entry in ClinVar:

NM_016284.5(CNOT1):c.613G>A (p.Ala205Thr)

Gene: CNOT1 (CCR4-NOT transcription complex subunit 1; minus strand). Cytogenetic location: 16q21.
Variant type: single nucleotide variant.
Coding change: c.613G>A on transcript NM_016284.5 (MANE Select); coding-DNA position 613, G replaced by A.
Protein change: p.Ala205Thr; replaces alanine 205 with threonine.
Molecular consequence: missense variant. On other transcripts: non-coding transcript variant (1).
Genome position (GRCh38, 1-based): chr16:58,586,569, C>T on the plus strand (G>A on the coding strand, the complement: CNOT1 is on the minus strand). VCF-style: chr16-58586569-C-T. GRCh37 (hg19) VCF-style: chr16-58620473-C-T.
Other names: c.613G>A, p.Ala205Thr (NM_001265612.2, NM_206999.3); short protein forms A205T.
Identifiers: ClinVar variation 3027340 (VCV003027340.22), dbSNP rs369585591, ClinGen allele CA8090130.

ClinVar aggregate classification (germline): Uncertain significance (1 of 4 stars; one submission).

Allele frequency attached by ClinVar (database versions not stated): gnomAD exomes below 0.00001; ExAC 0.00001; TOPMed 0.00001; ESP Exome Variant Server 0.00008.

Submission:

CeGaT Center for Human Genetics Tuebingen
Classification: Uncertain significance. Last evaluated: 2024-02-01. Review status: criteria provided, single submitter. Criteria: CeGaT Center For Human Genetics Tuebingen Variant Classification Criteria Version 2. Collection method: clinical testing. Allele origin: germline. Affected: yes. Observed: 1 variant allele.
Comment: CNOT1: PS2:Moderate, PM2:Supporting, BP5